The following is an entry in ClinVar:

NM_144668.6(CFAP251):c.453C>T (p.Asp151=)

Gene: CFAP251 (cilia and flagella associated protein 251; plus strand). Cytogenetic location: 12q24.31.
Variant type: single nucleotide variant.
Coding change: c.453C>T on transcript NM_144668.6 (MANE Select); coding-DNA position 453, C replaced by T.
Protein change: p.Asp151=; no amino-acid change (aspartic acid 151 retained).
Molecular consequence: synonymous variant.
Genome position (GRCh38, 1-based): chr12:121,923,696, C>T. VCF-style: chr12-121923696-C-T. GRCh37 (hg19) VCF-style: chr12-122361602-C-T.
Other names: c.453C>T, p.Asp151= (NM_001178003.2).
Identifiers: ClinVar variation 3049348 (VCV003049348.6), dbSNP rs189409230, ClinGen allele CA6840337.
Genomic context (GRCh38, chr12:121,923,696, plus strand): 5'-TAGCAAGTCAAAGCTTTCCTTACAATTGGAGGATGCAGAAACAGATGAGCTTTTAAGAGA[C>T]CTGAGCACACAAATTGAATTTCTTGATTTGGATCAAATCAGTCCTGAGGAACAACAGATT-3'
Protein context (NP_653269.3, residues 141-161): EDAETDELLR[Asp151=]LSTQIEFLDL

ClinVar aggregate classification (germline): Likely benign. Review status: criteria provided, single submitter (1 of 4 stars). 2 submissions from 2 submitters: Likely benign (1). 1 of the submissions does not count toward it. Last evaluated 2026-03-01.

Conditions:
CFAP251-related disorder. Also called: CFAP251-related condition.

Allele frequency attached by ClinVar (database versions not stated): ExAC 0.00027; 1000 Genomes Project 30x 0.00031; gnomAD 0.00035; TOPMed 0.00039; 1000 Genomes Project 0.00040; gnomAD exomes 0.00057; ESP Exome Variant Server 0.00059.
gnomAD v4.1: 868 of 1,614,106 alleles (0.054%); highest among the groups gnomAD compares: Non-Finnish European, 0.069%; 1 homozygote.

Submissions (2):

CeGaT Center for Human Genetics Tuebingen
Classification: Likely benign. Last evaluated: 2026-03-01. Review status: criteria provided, single submitter. Criteria: CeGaT Center For Human Genetics Tuebingen Variant Classification Criteria Version 2. Collection method: clinical testing. Allele origin: germline. Affected: yes. Observed: 1 variant allele.
Comment: CFAP251: BP4, BP7

PreventionGenetics, part of Exact Sciences
Classification: Likely benign for CFAP251-related condition. Last evaluated: 2019-07-10. Review status: no assertion criteria provided. Collection method: clinical testing. Allele origin: germline. Not counted in ClinVar's aggregate classification.
Comment: This variant is classified as likely benign based on ACMG/AMP sequence variant interpretation guidelines (Richards et al. 2015 PMID: 25741868, with internal and published modifications).